The following is an entry in ClinVar:

NM_006059.4(LAMC3):c.1939+275C>T

Gene: LAMC3 (laminin subunit gamma 3; plus strand). Cytogenetic location: 9q34.12.
Variant type: single nucleotide variant.
Coding change: c.1939+275C>T on transcript NM_006059.4 (MANE Select); 275 bases into the intron after coding-DNA position 1939, C replaced by T.
Molecular consequence: intron variant.
Genome position (GRCh38, 1-based): chr9:131,053,240, C>T. VCF-style: chr9-131053240-C-T. GRCh37 (hg19) VCF-style: chr9-133928627-C-T.
Identifiers: ClinVar variation 673891 (VCV000673891.1), dbSNP rs12350077, ClinGen allele CA200704918.

ClinVar aggregate classification (germline): Benign (1 of 4 stars; one submission).

Allele frequency attached by ClinVar (database versions not stated): gnomAD 0.01765 and 0.01890; TOPMed 0.01968; 1000 Genomes Project 30x 0.02014; 1000 Genomes Project 0.02037.
gnomAD v4.1: 2,656 of 152,292 alleles (1.7%); highest among the groups gnomAD compares: African/African-American, 6%; 80 homozygotes.

Submission:

GeneDx
Classification: Benign. Last evaluated: 2018-06-16. Review status: criteria provided, single submitter. Criteria: GeneDx Variant Classification (06012015). Collection method: clinical testing. Allele origin: germline. Affected: yes.
Comment: This variant is considered likely benign or benign based on one or more of the following criteria: it is a conservative change, it occurs at a poorly conserved position in the protein, it is predicted to be benign by multiple in silico algorithms, and/or has population frequency not consistent with disease.